The following is an entry in ClinVar:

NM_000238.4(KCNH2):c.2780G>T (p.Trp927Leu)

Gene: KCNH2 (potassium voltage-gated channel subfamily H member 2; minus strand). Cytogenetic location: 7q36.1.
Variant type: single nucleotide variant.
Coding change: c.2780G>T on transcript NM_000238.4 (MANE Select); coding-DNA position 2780, G replaced by T.
Protein change: p.Trp927Leu; replaces tryptophan 927 with leucine.
Molecular consequence: missense variant.
Genome position (GRCh38, 1-based): chr7:150,947,791, C>A on the plus strand (G>T on the coding strand, the complement: KCNH2 is on the minus strand). VCF-style: chr7-150947791-C-A. GRCh37 (hg19) VCF-style: chr7-150644879-C-A.
Other names: p.W927L:TGG>TTG; c.1760G>T, p.Trp587Leu (NM_172057.3); short protein forms W587L, W927L.
Identifiers: ClinVar variation 200501 (VCV000200501.29), dbSNP rs794728399, ClinGen allele CA007429.

ClinVar aggregate classification (germline): Conflicting classifications of pathogenicity. Review status: criteria provided, conflicting classifications (1 of 4 stars). 8 submissions from 8 submitters: Uncertain significance (7); Likely benign (1). Last evaluated 2026-01-19.

Conditions:
Cardiovascular phenotype. Identifiers: MedGen CN230736.
Cardiac arrhythmia. Also called: Arrhythmia; Cardiac rhythm disease. Identifiers: MedGen C0003811, MONDO:0007263, HP:0011675.
Long QT syndrome (LQTS). Identifiers: MedGen C0023976, MeSH D008133, MONDO:0002442. Disease mechanism: loss of function. Inheritance: Various modes of inheritance.
Short QT syndrome type 1. Identifiers: Orphanet 51083, MedGen C1865020, MONDO:0012312, OMIM 609620.
Long QT syndrome 2 (LQT2). Identifiers: Orphanet 101016, Orphanet 768, MedGen C3150943, MONDO:0013367, OMIM 613688.

Allele frequency attached by ClinVar (database versions not stated): TOPMed 0.00004; gnomAD 0.00005 and 0.00006.
gnomAD v4.1: 56 of 1,534,306 alleles (0.0036%); highest among the groups gnomAD compares: Middle Eastern, 0.022%; no homozygotes.

Submissions (8):

Labcorp Genetics (formerly Invitae), Labcorp
Classification: Uncertain significance for Long QT syndrome. Last evaluated: 2026-01-19. Review status: criteria provided, single submitter. Criteria: Invitae Variant Classification Sherloc (09022015). Collection method: clinical testing. Allele origin: germline.
Comment: This sequence change replaces tryptophan, which is neutral and slightly polar, with leucine, which is neutral and non-polar, at codon 927 of the KCNH2 protein (p.Trp927Leu). The frequency data for this variant in the population databases is considered unreliable, as metrics indicate poor data quality at this position in the gnomAD database. This variant has not been reported in the literature in individuals affected with KCNH2-related conditions. ClinVar contains an entry for this variant (Variation ID: 200501). An algorithm developed to predict the effect of missense changes on protein structure and function (PolyPhen-2) suggests that this variant is likely to be disruptive. In summary, the available evidence is currently insufficient to determine the role of this variant in disease. Therefore, it has been classified as a Variant of Uncertain Significance.

Color Diagnostics, LLC DBA Color Health
Classification: Uncertain significance for Cardiac arrhythmia. Last evaluated: 2025-11-26. Review status: criteria provided, single submitter. Criteria: ACMG Guidelines, 2015. Collection method: clinical testing. Allele origin: germline.
Comment: This missense variant replaces tryptophan with leucine at codon 927 of the KCNH2 protein. Computational prediction is inconclusive regarding the impact of this variant on protein structure and function. To our knowledge, functional studies have not been reported for this variant. This variant has not been reported in individuals affected with KCNH2-related disorders in the literature. This variant has been identified in 56/1534306 chromosomes in the general population by the Genome Aggregation Database (gnomAD). The available evidence is insufficient to determine the role of this variant in disease conclusively. Therefore, this variant is classified as a Variant of Uncertain Significance.

All of Us Research Program, National Institutes of Health
Classification: Uncertain significance for Long QT syndrome. Last evaluated: 2024-09-23. Review status: criteria provided, single submitter. Criteria: ACMG Guidelines, 2015. Collection method: clinical testing. Allele origin: germline. Inheritance: Autosomal dominant inheritance. Observed: 21 variant alleles, 21 heterozygotes.
Comment: This missense variant replaces tryptophan with leucine at codon 927 of the KCNH2 protein. Computational prediction is inconclusive regarding the impact of this variant on protein structure and function (internally defined REVEL score threshold 0.5 < inconclusive < 0.7, PMID: 27666373). To our knowledge, functional studies have not been reported for this variant. This variant has not been reported in individuals affected with cardiovascular disorders in the literature. This variant has been identified in 10/162760 chromosomes in the general population by the Genome Aggregation Database (gnomAD). The available evidence is insufficient to determine the role of this variant in disease conclusively. Therefore, this variant is classified as a Variant of Uncertain Significance.

This study involves interpretation of variants in research participants for the purpose of population health screening. Participant phenotype was not available at the time of variant classification. Additional details can be found in publication PMID: 35346344, PMCID: PMC8962531

Ambry Genetics
Classification: Likely benign for Cardiovascular phenotype. Last evaluated: 2023-03-06. Review status: criteria provided, single submitter. Criteria: Ambry Variant Classification Scheme 2023. Collection method: clinical testing. Allele origin: germline.

Fulgent Genetics
Classification: Uncertain significance for Short QT syndrome type 1; Long QT syndrome 2. Last evaluated: 2021-08-10. Review status: criteria provided, single submitter. Criteria: ACMG Guidelines, 2015. Collection method: clinical testing. Allele origin: unknown.

Illumina Laboratory Services, Illumina
Classification: Uncertain significance for Long QT syndrome 2. Last evaluated: 2018-01-12. Review status: criteria provided, single submitter. Criteria: ICSL Variant Classification Criteria 13 December 2019. Collection method: clinical testing. Allele origin: germline.

GeneDx
Classification: Uncertain significance. Last evaluated: 2017-02-01. Review status: criteria provided, single submitter. Criteria: GeneDx Variant Classification (06012015). Collection method: clinical testing. Allele origin: germline. Affected: yes.
Comment: A variant of uncertain significance has been identified in the KCNH2 gene. The W927L variant has not been published as pathogenic or been reported as benign to our knowledge. Data from control individuals were not available to assess whether W927L may be a common benign variant in the general population. Nevertheless, the W927L variant is a semi-conservative amino acid substitution, which may impact secondary protein structure as these residues differ in some properties. Finally, this substitution occurs at a position that is conserved in mammals and in silico analysis predicts this variant is probably damaging to the protein structure/function.

Stanford Center for Inherited Cardiovascular Disease, Stanford University
Classification: Uncertain significance. Last evaluated: 2016-03-11. Review status: criteria provided, single submitter. Criteria: ACMG Guidelines, 2015. Collection method: provider interpretation. Allele origin: germline.